The following is an entry in ClinVar:

ClinVar aggregate classification (germline): Uncertain significance. Review status: criteria provided, multiple submitters, no conflicts (2 of 4 stars). 2 submissions from 2 submitters: Uncertain significance (2). Last evaluated 2023-05-24.

Conditions:
Eichsfeld type congenital muscular dystrophy (CMYO3). Also called: MYOPATHY, SEPN1-RELATED; Rigid spine muscular dystrophy 1; SELENON-related myopathy; Congenital myopathy 3 with rigid spine. Identifiers: MedGen C0410180, MONDO:0100100, OMIM 602771.

Allele frequency attached by ClinVar (database versions not stated): ExAC 0.00001; gnomAD exomes 0.00001.
gnomAD v4.1: 6 of 1,613,734 alleles (0.00037%); highest among the groups gnomAD compares: Non-Finnish European, 0.00051%; no homozygotes.

Submissions (2):

Revvity Omics, Revvity
Classification: Uncertain significance for Eichsfeld type congenital muscular dystrophy. Last evaluated: 2023-05-24. Review status: criteria provided, single submitter. Criteria: ACMG Guidelines, 2015. Collection method: clinical testing. Allele origin: germline.

Labcorp Genetics (formerly Invitae), Labcorp
Classification: Uncertain significance for Eichsfeld type congenital muscular dystrophy. Last evaluated: 2022-08-16. Review status: criteria provided, single submitter. Criteria: Invitae Variant Classification Sherloc (09022015). Collection method: clinical testing. Allele origin: germline.
Comment: This variant is present in population databases (rs763724398, gnomAD 0.002%). This sequence change replaces glutamine, which is neutral and polar, with glutamic acid, which is acidic and polar, at codon 500 of the SELENON protein (p.Gln500Glu). In summary, the available evidence is currently insufficient to determine the role of this variant in disease. Therefore, it has been classified as a Variant of Uncertain Significance. Algorithms developed to predict the effect of missense changes on protein structure and function are either unavailable or do not agree on the potential impact of this missense change (SIFT: "Deleterious"; PolyPhen-2: "Benign"; Align-GVGD: "Class C0"). ClinVar contains an entry for this variant (Variation ID: 578217). This variant has not been reported in the literature in individuals affected with SELENON-related conditions.

NM_206926.2(SELENON):c.1396C>G (p.Gln466Glu)

Gene: SELENON (selenoprotein N; plus strand). Cytogenetic location: 1p36.11.
Variant type: single nucleotide variant.
Coding change: c.1396C>G on transcript NM_206926.2 (MANE Select); coding-DNA position 1396, C replaced by G.
Protein change: p.Gln466Glu; replaces glutamine 466 with glutamic acid.
Molecular consequence: missense variant.
Genome position (GRCh38, 1-based): chr1:25,813,991, C>G. VCF-style: chr1-25813991-C-G. GRCh37 (hg19) VCF-style: chr1-26140482-C-G.
Other names: c.1498C>G, p.Gln500Glu (NM_020451.3); short protein forms Q500E, Q466E.
Identifiers: ClinVar variation 578217 (VCV000578217.12), dbSNP rs763724398, ClinGen allele CA696887.